The following is an entry in ClinVar:

NM_001017975.6(HFM1):c.754+8C>T

Gene: HFM1 (helicase for meiosis 1; minus strand). Cytogenetic location: 1p22.2.
Variant type: single nucleotide variant.
Coding change: c.754+8C>T on transcript NM_001017975.6 (MANE Select); 8 bases into the intron after coding-DNA position 754, C replaced by T.
Molecular consequence: intron variant.
Genome position (GRCh38, 1-based): chr1:91,385,567, G>A on the plus strand (C>T on the coding strand, the complement: HFM1 is on the minus strand). VCF-style: chr1-91385567-G-A. GRCh37 (hg19) VCF-style: chr1-91851124-G-A.
Identifiers: ClinVar variation 3051589 (VCV003051589.2), dbSNP rs200915218, ClinGen allele CA26631973.

ClinVar aggregate classification (germline): Likely benign (0 of 4 stars; one submission).

Conditions:
HFM1-related disorder. Also called: HFM1-related condition.

Allele frequency attached by ClinVar (database versions not stated): gnomAD exomes 0.00002; TOPMed 0.00002.
gnomAD v4.1: 28 of 1,605,172 alleles (0.0017%); highest among the groups gnomAD compares: Non-Finnish European, 0.0022%; no homozygotes.

Submission:

PreventionGenetics, part of Exact Sciences
Classification: Likely benign for HFM1-related condition. Last evaluated: 2020-01-24. Review status: no assertion criteria provided. Collection method: clinical testing. Allele origin: germline.
Comment: This variant is classified as likely benign based on ACMG/AMP sequence variant interpretation guidelines (Richards et al. 2015 PMID: 25741868, with internal and published modifications).